The following is an entry in ClinVar:

NM_018974.4(UNC93A):c.455G>A (p.Gly152Asp)

Gene: UNC93A (unc-93 homolog A; plus strand). Cytogenetic location: 6q27.
Variant type: single nucleotide variant.
Coding change: c.455G>A on transcript NM_018974.4 (MANE Select); coding-DNA position 455, G replaced by A.
Protein change: p.Gly152Asp; replaces glycine 152 with aspartic acid.
Molecular consequence: missense variant.
Genome position (GRCh38, 1-based): chr6:167,296,217, G>A. VCF-style: chr6-167296217-G-A. GRCh37 (hg19) VCF-style: chr6-167709705-G-A.
Other names: c.455G>A, p.Gly152Asp (NM_001143947.2); short protein forms G152D.
Identifiers: ClinVar variation 774312 (VCV000774312.28), dbSNP rs150440399, ClinGen allele CA4096784.

ClinVar aggregate classification (germline): Likely benign. Review status: criteria provided, multiple submitters, no conflicts (2 of 4 stars). 3 submissions from 3 submitters: Likely benign (3). Last evaluated 2023-09-01.

Allele frequency attached by ClinVar (database versions not stated): 1000 Genomes Project 0.00200; 1000 Genomes Project 30x 0.00203; TOPMed 0.00374; ESP Exome Variant Server 0.00384; gnomAD exomes 0.00414 and 0.00611; ExAC 0.00441; gnomAD 0.00444 and 0.00456.
gnomAD v4.1: 9,471 of 1,614,198 alleles (0.59%); highest among the groups gnomAD compares: Non-Finnish European, 0.71%; 52 homozygotes.

Submissions (3):

CeGaT Center for Human Genetics Tuebingen
Classification: Likely benign. Last evaluated: 2023-09-01. Review status: criteria provided, single submitter. Criteria: CeGaT Center For Human Genetics Tuebingen Variant Classification Criteria Version 2. Collection method: clinical testing. Allele origin: germline. Affected: yes. Observed: 1 variant allele.
Comment: UNC93A: BS2

Labcorp Genetics (formerly Invitae), Labcorp
Classification: Likely benign. Last evaluated: 2018-01-31. Review status: criteria provided, single submitter. Criteria: Invitae Variant Classification Sherloc (09022015). Collection method: clinical testing. Allele origin: germline.

Breakthrough Genomics
Classification: Likely benign. Review status: criteria provided, single submitter. Criteria: ACMG Guidelines, 2015. Collection method: not provided. Allele origin: germline. Inheritance: Unknown mechanism. Affected: yes.